The following is an entry in ClinVar:

NM_022552.5(DNMT3A):c.1383A>G (p.Thr461=)

Gene: DNMT3A (DNA methyltransferase 3 alpha; minus strand). Cytogenetic location: 2p23.3.
Variant type: single nucleotide variant.
Coding change: c.1383A>G on transcript NM_022552.5 (MANE Select); coding-DNA position 1383, A replaced by G.
Protein change: p.Thr461=; no amino-acid change (threonine 461 retained).
Molecular consequence: synonymous variant. On other transcripts: non-coding transcript variant (1).
Genome position (GRCh38, 1-based): chr2:25,246,206, T>C on the plus strand (A>G on the coding strand, the complement: DNMT3A is on the minus strand). VCF-style: chr2-25246206-T-C. GRCh37 (hg19) VCF-style: chr2-25469075-T-C.
Other names: c.927A>G, p.Thr309= (NM_001320893.1); c.714A>G, p.Thr238= (NM_001375819.1); c.816A>G, p.Thr272= (NM_153759.3); c.1383A>G, p.Thr461= (NM_175629.2); c.1383A>G (NM_022552.3).
Identifiers: ClinVar variation 2885217 (VCV002885217.5), dbSNP rs1354966961, ClinGen allele CA425184066.

ClinVar aggregate classification (germline): Likely benign. Review status: criteria provided, multiple submitters, no conflicts (2 of 4 stars). 3 submissions from 3 submitters: Likely benign (3). Last evaluated 2025-06-17.

Conditions:
DNMT3A-related disorder. Also called: DNMT3A-related disorders; DNMT3A-related condition.
Inborn genetic diseases. Identifiers: MedGen C0950123, MeSH D030342.
Tatton-Brown-Rahman overgrowth syndrome. Also called: Tatton-Brown-Rahman syndrome; Tall stature-intellectual disability-facial dysmorphism syndrome. Identifiers: Orphanet 404443, MedGen C4014545, MONDO:0014382, OMIM 615879.

Allele frequency attached by ClinVar (database versions not stated): gnomAD exomes below 0.00001; TOPMed 0.00001.
gnomAD v4.1: 4 of 1,614,178 alleles (0.00025%); highest among the groups gnomAD compares: Non-Finnish European, 0.00034%; no homozygotes.

Submissions (3):

Labcorp Genetics (formerly Invitae), Labcorp
Classification: Likely benign for Tatton-Brown-Rahman overgrowth syndrome. Last evaluated: 2025-06-17. Review status: criteria provided, single submitter. Criteria: Invitae Variant Classification Sherloc (09022015). Collection method: clinical testing. Allele origin: germline.

PreventionGenetics, part of Exact Sciences
Classification: Likely benign for DNMT3A-related condition. Last evaluated: 2025-01-31. Review status: criteria provided, single submitter. Criteria: ACMG Guidelines, 2015. Collection method: clinical testing. Allele origin: germline.
Comment: This variant is classified as likely benign based on ACMG/AMP sequence variant interpretation guidelines (Richards et al. 2015 PMID: 25741868, with internal and published modifications).

Ambry Genetics
Classification: Likely benign for Inborn genetic diseases. Last evaluated: 2024-12-08. Review status: criteria provided, single submitter. Criteria: Ambry Variant Classification Scheme 2023. Collection method: clinical testing. Allele origin: germline.